The following is an entry in ClinVar:

ClinVar aggregate classification (germline): Uncertain significance. Review status: criteria provided, multiple submitters, no conflicts (2 of 4 stars). 3 submissions from 3 submitters: Uncertain significance (2). 1 of the submissions does not count toward it. Last evaluated 2026-05-17.

Conditions:
Hereditary cancer-predisposing syndrome. Also called: Hereditary neoplastic syndrome; Neoplastic Syndromes, Hereditary; Tumor predisposition; Hereditary Cancer Syndrome. Identifiers: Orphanet 140162, MedGen C0027672, MeSH D009386, MONDO:0015356.
Hereditary breast ovarian cancer syndrome. Also called: Hereditary breast and ovarian cancer syndrome; Hereditary breast and/or ovarian cancer syndrome; Hereditary breast and ovarian cancer; Hereditary breast and ovarian cancer syndrome (HBOC); BRCA1- and BRCA2-Associated Hereditary Breast and Ovarian Cancer; Breast and ovarian cancer. Identifiers: Orphanet 145, MedGen C0677776, MeSH D061325, MONDO:0003582. Disease mechanism: loss of function.

Allele frequency attached by ClinVar (database versions not stated): gnomAD exomes below 0.00001; gnomAD 0.00001; TOPMed 0.00001.
gnomAD v4.1: 2 of 1,614,070 alleles (0.00012%); highest among the groups gnomAD compares: Non-Finnish European, 0.00017%; no homozygotes.

Submissions (3):

Ambry Genetics
Classification: Uncertain significance for Hereditary cancer-predisposing syndrome. Last evaluated: 2026-05-17. Review status: criteria provided, single submitter. Criteria: Ambry Variant Classification Scheme 2023. Collection method: clinical testing. Allele origin: germline.
Comment: The p.I1432V variant (also known as c.4294A>G), located in coding exon 11 of the BRCA1 gene, results from an A to G substitution at nucleotide position 4294. The isoleucine at codon 1432 is replaced by valine, an amino acid with highly similar properties. This amino acid position is conserved. In addition, this alteration is predicted to be tolerated by in silico analysis. Based on the available evidence, the clinical significance of this variant remains unclear.

Labcorp Genetics (formerly Invitae), Labcorp
Classification: Uncertain significance for Hereditary breast ovarian cancer syndrome. Last evaluated: 2023-11-07. Review status: criteria provided, single submitter. Criteria: Invitae Variant Classification Sherloc (09022015). Collection method: clinical testing. Allele origin: germline.
Comment: This sequence change replaces isoleucine, which is neutral and non-polar, with valine, which is neutral and non-polar, at codon 1432 of the BRCA1 protein (p.Ile1432Val). This variant is not present in population databases (gnomAD no frequency). This variant has not been reported in the literature in individuals affected with BRCA1-related conditions. ClinVar contains an entry for this variant (Variation ID: 1049902). Advanced modeling of protein sequence and biophysical properties (such as structural, functional, and spatial information, amino acid conservation, physicochemical variation, residue mobility, and thermodynamic stability) performed at Invitae indicates that this missense variant is not expected to disrupt BRCA1 protein function with a negative predictive value of 95%. In summary, the available evidence is currently insufficient to determine the role of this variant in disease. Therefore, it has been classified as a Variant of Uncertain Significance.

Department of Pathology and Laboratory Medicine, Sinai Health System
Classification: Uncertain significance. Review status: no assertion criteria provided. Collection method: clinical testing. Allele origin: unknown. Affected: yes. Study: The Canadian Open Genetics Repository (COGR). Not counted in ClinVar's aggregate classification.
Comment: The BRCA1 c.4294A>G variant was not identified in the literature, nor was it identified in dbSNP, the 1000 Genomes Project, the NHLBI Exome Sequencing Project, the Exome Aggregation Consortium, the Genome Aggregation Database (Feb 27, 2017), GeneInsight COGR, ClinVar, Clinvitae, COSMIC, MutDB, BRCA Share, BIC, ARUP Laboratories, the Fanconi Anemia Mutation Database (LOVD) or LOVD-IARC databases. The p.Ile1432 residue is not conserved in mammals and computational analyses (PolyPhen-2, SIFT, AlignGVGD, BLOSUM, MutationTaster) do not suggest a high likelihood of impact to the protein; however, this information is not predictive enough to rule out pathogenicity. The variant occurs outside of the splicing consensus sequence and in silico or computational prediction software programs (SpliceSiteFinder, MaxEntScan, NNSPLICE, GeneSplicer, HumanSpliceFinder) do not predict a difference in splicing. In summary, based on the above information, the clinical significance of this variant cannot be determined with certainty at this time. This variant is classified as a variant of uncertain significance.

NM_007294.4(BRCA1):c.4294A>G (p.Ile1432Val)

Gene: BRCA1 (BRCA1 DNA repair associated; minus strand). Cytogenetic location: 17q21.31.
Variant type: single nucleotide variant.
Coding change: c.4294A>G on transcript NM_007294.4 (MANE Select); coding-DNA position 4294, A replaced by G.
Protein change: p.Ile1432Val; replaces isoleucine 1432 with valine.
Molecular consequence: missense variant. On other transcripts: non-coding transcript variant (1).
Genome position (GRCh38, 1-based): chr17:43,082,467, T>C on the plus strand (A>G on the coding strand, the complement: BRCA1 is on the minus strand). VCF-style: chr17-43082467-T-C. GRCh37 (hg19) VCF-style: chr17-41234484-T-C.
Other names: c.4081A>G, p.Ile1361Val (NM_001407571.1, NM_001407853.1, NM_001407894.1 and 12 more transcripts); c.4294A>G, p.Ile1432Val (NM_001407581.1, NM_001407582.1, NM_001407583.1 and 23 more transcripts); c.4291A>G, p.Ile1431Val (NM_001407587.1, NM_001407590.1, NM_001407591.1 and 21 more transcripts); c.4288A>G, p.Ile1430Val (NM_001407627.1, NM_001407628.1, NM_001407629.1 and 5 more transcripts); c.4282A>G, p.Ile1428Val (NM_001407646.1, NM_001407647.1); c.4171A>G, p.Ile1391Val (NM_001407648.1, NM_001407664.1, NM_001407665.1 and 13 more transcripts); c.4168A>G, p.Ile1390Val (NM_001407649.1, NM_001407670.1, NM_001407671.1 and 12 more transcripts); c.4216A>G, p.Ile1406Val (NM_001407653.1, NM_001407654.1, NM_001407655.1 and 2 more transcripts); and 51 more; short protein forms I1385V, I1432V, I329V, I1136V, I1319V, I1342V, I1344V, I1405V.
Identifiers: ClinVar variation 1049902 (VCV001049902.6), dbSNP rs80357157, ClinGen allele CA10593135.